The following is an entry in ClinVar:

NM_001378183.1(PIEZO2):c.3157G>T (p.Glu1053Ter)

Gene: PIEZO2 (piezo type mechanosensitive ion channel component 2; minus strand). Cytogenetic location: 18p11.22.
Variant type: single nucleotide variant.
Coding change: c.3157G>T on transcript NM_001378183.1 (MANE Select); coding-DNA position 3157, G replaced by T.
Protein change: p.Glu1053Ter; replaces glutamic acid 1053 with a stop codon.
Molecular consequence: nonsense.
Genome position (GRCh38, 1-based): chr18:10,762,592, C>A on the plus strand (G>T on the coding strand, the complement: PIEZO2 is on the minus strand). VCF-style: chr18-10762592-C-A. GRCh37 (hg19) VCF-style: chr18-10762590-C-A.
Other names: c.3157G>T, p.Glu1053Ter (NM_001410871.1); c.3082G>T, p.Glu1028Ter (NM_022068.4); short protein forms E1028*, E1053*.
Identifiers: ClinVar variation 3034053 (VCV003034053.2), dbSNP rs2510662499, ClinGen allele CA401923690.

ClinVar aggregate classification (germline): Likely pathogenic (0 of 4 stars; one submission).

Conditions:
PIEZO2-related disorder. Also called: PIEZO2-related condition; PIEZO2-related disorders.

Allele frequency attached by ClinVar (database versions not stated): gnomAD exomes below 0.00001.
gnomAD v4.1: 1 of 1,537,334 alleles (0.000065%); highest among the groups gnomAD compares: Non-Finnish European, 0.000087%; no homozygotes.

Submission:

PreventionGenetics, part of Exact Sciences
Classification: Likely pathogenic for PIEZO2-related condition. Last evaluated: 2023-12-27. Review status: no assertion criteria provided. Collection method: clinical testing. Allele origin: germline.
Comment: The PIEZO2 c.3082G>T variant is predicted to result in premature protein termination (p.Glu1028*). To our knowledge, this variant has not been reported in the literature or in a large population database, indicating this variant is rare. Nonsense variants in PIEZO2 are expected to be pathogenic for autosomal recessive PIEZO2-related disorders. This variant is interpreted as likely pathogenic.